The following is an entry in ClinVar:

ClinVar aggregate classification (germline): Uncertain significance. Review status: criteria provided, single submitter (1 of 4 stars). 4 submissions from 4 submitters: Uncertain significance (1). 3 of the submissions do not count toward it. Last evaluated 2022-07-09.

Conditions:
Usher syndrome type 2A. Also called: USHER SYNDROME, TYPE IIA; RETINAL DISEASE IN USHER SYNDROME TYPE IIA, MODIFIER OF. Identifiers: Orphanet 231178, Orphanet 886, MedGen C1848634, MONDO:0010169, OMIM 276901.

Allele frequency attached by ClinVar (database versions not stated): gnomAD 0.00001; ExAC 0.00002; gnomAD exomes 0.00003 and 0.00007; TOPMed 0.00003.
gnomAD v4.1: 97 of 1,613,978 alleles (0.006%); highest among the groups gnomAD compares: Non-Finnish European, 0.0081%; no homozygotes.

Submissions (4):

Labcorp Genetics (formerly Invitae), Labcorp
Classification: Uncertain significance. Last evaluated: 2022-07-09. Review status: criteria provided, single submitter. Criteria: Invitae Variant Classification Sherloc (09022015). Collection method: clinical testing. Allele origin: germline.
Comment: This sequence change replaces glycine, which is neutral and non-polar, with alanine, which is neutral and non-polar, at codon 3588 of the USH2A protein (p.Gly3588Ala). This variant is present in population databases (rs567356824, gnomAD 0.008%). This variant has not been reported in the literature in individuals affected with USH2A-related conditions. ClinVar contains an entry for this variant (Variation ID: 1020626). Algorithms developed to predict the effect of missense changes on protein structure and function are either unavailable or do not agree on the potential impact of this missense change (SIFT: "Tolerated"; PolyPhen-2: "Possibly Damaging"; Align-GVGD: "Class C0"). In summary, the available evidence is currently insufficient to determine the role of this variant in disease. Therefore, it has been classified as a Variant of Uncertain Significance.

Natera, Inc.
Classification: Uncertain significance for Usher syndrome type 2A. Last evaluated: 2020-09-28. Review status: no assertion criteria provided. Collection method: clinical testing. Allele origin: germline. Not counted in ClinVar's aggregate classification.

Clinical Genetics DNA and cytogenetics Diagnostics Lab, Erasmus MC, Erasmus Medical Center
Classification: Uncertain significance. Review status: no assertion criteria provided. Collection method: clinical testing. Allele origin: germline. Affected: yes. Study: VKGL Data-share Consensus. Not counted in ClinVar's aggregate classification.

Clinical Genetics, Academic Medical Center
Classification: Uncertain significance. Review status: no assertion criteria provided. Collection method: clinical testing. Allele origin: germline. Affected: yes. Study: VKGL Data-share Consensus. Not counted in ClinVar's aggregate classification.

NM_206933.4(USH2A):c.10763G>C (p.Gly3588Ala)

Gene: USH2A (usherin; minus strand). Cytogenetic location: 1q41.
Variant type: single nucleotide variant.
Coding change: c.10763G>C on transcript NM_206933.4 (MANE Select); coding-DNA position 10763, G replaced by C.
Protein change: p.Gly3588Ala; replaces glycine 3588 with alanine.
Molecular consequence: missense variant.
Genome position (GRCh38, 1-based): chr1:215,780,019, C>G on the plus strand (G>C on the coding strand, the complement: USH2A is on the minus strand). VCF-style: chr1-215780019-C-G. GRCh37 (hg19) VCF-style: chr1-215953361-C-G.
Other names: short protein forms G3588A.
Identifiers: ClinVar variation 1020626 (VCV001020626.6), dbSNP rs567356824, ClinGen allele CA1393926.
Genomic context (GRCh38, chr1:215,780,019, plus strand): 5'-AGATGCAGAGCCACTGCACTTAGGGCTGTGATGCTTGGTGGCAGGATGCTCTCCGGAACT[C>G]CTTGGGTAGTAGCTGCAACTACCTGAAGACGTAGGAATTAAGCAGCAATTTATTGTAATA-3'
Protein context (NP_996816.3, residues 3578-3598): SSKVVAATTQ[Gly3588Ala]VPESILPPSI